The following is an entry in ClinVar:

NM_000069.3(CACNA1S):c.1530G>T (p.Glu510Asp)

Gene: CACNA1S (calcium voltage-gated channel subunit alpha1 S; minus strand). Cytogenetic location: 1q32.1.
Variant type: single nucleotide variant.
Coding change: c.1530G>T on transcript NM_000069.3 (MANE Select); coding-DNA position 1530, G replaced by T.
Protein change: p.Glu510Asp; replaces glutamic acid 510 with aspartic acid.
Molecular consequence: missense variant.
Genome position (GRCh38, 1-based): chr1:201,077,968, C>A on the plus strand (G>T on the coding strand, the complement: CACNA1S is on the minus strand). VCF-style: chr1-201077968-C-A. GRCh37 (hg19) VCF-style: chr1-201047096-C-A.
Other names: c.1530G>T (NM_000069.2); short protein forms E510D.
Identifiers: ClinVar variation 1443938 (VCV001443938.10), dbSNP rs758354862, ClinGen allele CA078360.

ClinVar aggregate classification (germline): Conflicting classifications of pathogenicity. Review status: criteria provided, conflicting classifications (1 of 4 stars). 4 submissions from 4 submitters: Uncertain significance (3); Benign (1). Last evaluated 2024-11-10.

Conditions:
Hypokalemic periodic paralysis, type 1. Also called: Hypokalemic Periodic Paralysis Type 1 (AD); HypoPP. Identifiers: Orphanet 681, MedGen C3714580, MONDO:0042979, OMIM 170400.
Malignant hyperthermia, susceptibility to, 5 (MHS5). Also called: CACNA1S-Related Malignant Hyperthermia Susceptibility. Identifiers: Orphanet 423, MedGen C1866077, MONDO:0011163, OMIM 601887.
Thyrotoxic periodic paralysis, susceptibility to, 1 (TTPP1). Identifiers: Orphanet 79102, MedGen C2749982, MONDO:0008570, OMIM 188580.
Inborn genetic diseases. Identifiers: MedGen C0950123, MeSH D030342.

Allele frequency attached by ClinVar (database versions not stated): gnomAD exomes 0.00001 and 0.00002; TOPMed 0.00001; gnomAD 0.00002; ExAC 0.00003.
gnomAD v4.1: 12 of 1,614,078 alleles (0.00074%); highest among the groups gnomAD compares: East Asian, 0.027%; no homozygotes.

Submissions (4):

Ambry Genetics
Classification: Uncertain significance for Inborn genetic diseases. Last evaluated: 2024-11-10. Review status: criteria provided, single submitter. Criteria: Ambry Variant Classification Scheme 2023. Collection method: clinical testing. Allele origin: germline.

All of Us Research Program, National Institutes of Health
Classification: Uncertain significance for Malignant hyperthermia, susceptibility to, 5. Last evaluated: 2024-08-13. Review status: criteria provided, single submitter. Criteria: ACMG Guidelines, 2015. Collection method: clinical testing. Allele origin: germline. Inheritance: Autosomal dominant inheritance. Observed: 4 variant alleles, 4 heterozygotes.
Comment: This missense variant replaces glutamic acid with aspartic acid at codon 510 of the CACNA1S protein. Computational prediction suggests that this variant may have deleterious impact on protein structure and function (internally defined REVEL score threshold >= 0.7, PMID: 27666373). To our knowledge, functional studies have not been reported for this variant. This variant has not been reported in individuals affected with CACNA1S-related disorders in the literature. This variant has been identified in 8/282872 chromosomes in the general population by the Genome Aggregation Database (gnomAD). The available evidence is insufficient to determine the role of this variant in disease conclusively. Therefore, this variant is classified as a Variant of Uncertain Significance.

This study involves interpretation of variants in research participants for the purpose of population health screening. Participant phenotype was not available at the time of variant classification. Additional details can be found in publication PMID: 35346344, PMCID: PMC8962531

Labcorp Genetics (formerly Invitae), Labcorp
Classification: Benign for Hypokalemic periodic paralysis, type 1; Malignant hyperthermia, susceptibility to, 5. Last evaluated: 2024-01-08. Review status: criteria provided, single submitter. Criteria: Invitae Variant Classification Sherloc (09022015). Collection method: clinical testing. Allele origin: germline.

Fulgent Genetics
Classification: Uncertain significance for Hypokalemic periodic paralysis, type 1; Thyrotoxic periodic paralysis, susceptibility to, 1; Malignant hyperthermia, susceptibility to, 5. Last evaluated: 2021-08-06. Review status: criteria provided, single submitter. Criteria: ACMG Guidelines, 2015. Collection method: clinical testing. Allele origin: unknown.